The following is an entry in ClinVar:

NM_006009.4(TUBA1A):c.545T>C (p.Val182Ala)

Gene: TUBA1A (tubulin alpha 1a; minus strand). Cytogenetic location: 12q13.12.
Variant type: single nucleotide variant.
Coding change: c.545T>C on transcript NM_006009.4 (MANE Select); coding-DNA position 545, T replaced by C.
Protein change: p.Val182Ala; replaces valine 182 with alanine.
Molecular consequence: missense variant.
Genome position (GRCh38, 1-based): chr12:49,185,821, A>G on the plus strand (T>C on the coding strand, the complement: TUBA1A is on the minus strand). VCF-style: chr12-49185821-A-G. GRCh37 (hg19) VCF-style: chr12-49579604-A-G.
Other names: TUBA3; c.545T>C, p.Val182Ala (NM_001270399.2); c.440T>C, p.Val147Ala (NM_001270400.2); short protein forms V147A, V182A.
Identifiers: ClinVar variation 977324 (VCV000977324.3), dbSNP rs1942173367, ClinGen allele CA384641839.

ClinVar aggregate classification (germline): Pathogenic (1 of 4 stars; one submission).

Conditions:
Lissencephaly due to TUBA1A mutation (CDCBM16). Also called: CORTICAL DYSPLASIA, COMPLEX, WITH OTHER BRAIN MALFORMATIONS 16; Lissencephaly 3. Identifiers: Orphanet 171680, MedGen C4305153, MONDO:0012703, OMIM 611603.

Submission:

Institute of Human Genetics, University of Goettingen
Classification: Pathogenic for Lissencephaly due to TUBA1A mutation. Last evaluated: 2020-06-29. Review status: criteria provided, single submitter. Criteria: ACMG Guidelines, 2015. Collection method: clinical testing. Allele origin: de novo. Inheritance: Autosomal dominant inheritance. Affected: yes. Observed: 1 heterozygote.
Comment: The variant c.545T>C (p.(Val182Ala)) in the TUBA1A-gene was found to be de novo, it affects a highly conserved nucleotide and a highly conserved amino acid and is located within a functional protein domain. Also it is absent from common databases as gnomAD or ExAC. A different sequence change (c.544G>T), which affects the same codon as the c.545T>C mutation but leads to a different amino acid exchange (p.(Val182APhe)), has already been described as pathogenic in affected individuals (Hebebrand et al. (2019), PMID: 30744660). ACMG criteria used for classification: PS2, PM1, PM2, PM5, PP2